The following is an entry in ClinVar:

ClinVar aggregate classification (germline): Uncertain significance. Review status: criteria provided, multiple submitters, no conflicts (2 of 4 stars). 2 submissions from 2 submitters: Uncertain significance (2). Last evaluated 2024-12-23.

Conditions:
Martsolf syndrome (MARTS). Also called: Congenital cataract with intellectual disability and hypogonadotropic hypogonadism syndrome. Identifiers: Orphanet 1387, MedGen C0796037, MONDO:0023910.
Warburg micro syndrome 2 (WARBM2). Also called: MICRO SYNDROME 2. Identifiers: Orphanet 2510, MedGen C3280214, MONDO:0013641, OMIM 614225.

Allele frequency attached by ClinVar (database versions not stated): ExAC 0.00001; gnomAD exomes 0.00002 and 0.00003; TOPMed 0.00003; gnomAD 0.00004.
gnomAD v4.1: 54 of 1,614,020 alleles (0.0033%); highest among the groups gnomAD compares: Non-Finnish European, 0.0045%; no homozygotes.

Submissions (2):

Mayo Clinic Laboratories, Mayo Clinic
Classification: Uncertain significance. Last evaluated: 2024-12-23. Review status: criteria provided, single submitter. Criteria: ACMG Guidelines, 2015. Collection method: clinical testing. Allele origin: germline. Observed: 2 variant alleles.
Comment: BP4_moderate, PM2_supporting

Labcorp Genetics (formerly Invitae), Labcorp
Classification: Uncertain significance for Martsolf syndrome; Warburg micro syndrome 2. Last evaluated: 2021-10-14. Review status: criteria provided, single submitter. Criteria: Invitae Variant Classification Sherloc (09022015). Collection method: clinical testing. Allele origin: germline.
Comment: This variant has not been reported in the literature in individuals affected with RAB3GAP2-related conditions. This variant is present in population databases (rs754509783, ExAC 0.001%). Algorithms developed to predict the effect of missense changes on protein structure and function (SIFT, PolyPhen-2, Align-GVGD) all suggest that this variant is likely to be tolerated. In summary, the available evidence is currently insufficient to determine the role of this variant in disease. Therefore, it has been classified as a Variant of Uncertain Significance. This sequence change replaces methionine with isoleucine at codon 985 of the RAB3GAP2 protein (p.Met985Ile). The methionine residue is weakly conserved and there is a small physicochemical difference between methionine and isoleucine.

NM_012414.4(RAB3GAP2):c.2955G>A (p.Met985Ile)

Gene: RAB3GAP2 (RAB3 GTPase activating non-catalytic protein subunit 2; minus strand). Cytogenetic location: 1q41.
Variant type: single nucleotide variant.
Coding change: c.2955G>A on transcript NM_012414.4 (MANE Select); coding-DNA position 2955, G replaced by A.
Protein change: p.Met985Ile; replaces methionine 985 with isoleucine.
Molecular consequence: missense variant.
Genome position (GRCh38, 1-based): chr1:220,167,527, C>T on the plus strand (G>A on the coding strand, the complement: RAB3GAP2 is on the minus strand). VCF-style: chr1-220167527-C-T. GRCh37 (hg19) VCF-style: chr1-220340869-C-T.
Other names: p.Met985Ile; short protein forms M985I.
Identifiers: ClinVar variation 1435468 (VCV001435468.7), dbSNP rs754509783, ClinGen allele CA1402308.